The following is an entry in ClinVar:

ClinVar aggregate classification (germline): Uncertain significance (1 of 4 stars; one submission).

Conditions:
Lipodystrophy, partial, acquired, susceptibility to (APLD). Also called: APLD, SUSCEPTIBILITY TO. Identifiers: MedGen C3887501, MONDO:0100476, OMIM 608709.
Progressive myoclonic epilepsy type 9. Identifiers: Orphanet 457265, MedGen C4225289, MONDO:0014685, OMIM 616540.

Allele frequency attached by ClinVar (database versions not stated): TOPMed below 0.00001; ExAC 0.00001.
gnomAD v4.1: 2 of 1,612,364 alleles (0.00012%); highest among the groups gnomAD compares: Non-Finnish European, 0.000085%; no homozygotes.

Submission:

Labcorp Genetics (formerly Invitae), Labcorp
Classification: Uncertain significance for Progressive myoclonic epilepsy type 9; Lipodystrophy, partial, acquired, susceptibility to. Last evaluated: 2020-02-07. Review status: criteria provided, single submitter. Criteria: Invitae Variant Classification Sherloc (09022015). Collection method: clinical testing. Allele origin: germline.
Comment: Algorithms developed to predict the effect of missense changes on protein structure and function output the following: SIFT: "Tolerated"; PolyPhen-2: "Benign"; Align-GVGD: "Class C0". The threonine amino acid residue is found in multiple mammalian species, suggesting that this missense change does not adversely affect protein function. These predictions have not been confirmed by published functional studies and their clinical significance is uncertain. In summary, the available evidence is currently insufficient to determine the role of this variant in disease. Therefore, it has been classified as a Variant of Uncertain Significance. This variant has not been reported in the literature in individuals with LMNB2-related disease. This variant is present in population databases (rs751465568, ExAC 0.002%). This sequence change replaces alanine with threonine at codon 468 of the LMNB2 protein (p.Ala468Thr). The alanine residue is highly conserved and there is a small physicochemical difference between alanine and threonine.

NM_032737.4(LMNB2):c.1402G>A (p.Ala468Thr)

Gene: LMNB2 (lamin B2; minus strand). Cytogenetic location: 19p13.3.
Variant type: single nucleotide variant.
Coding change: c.1402G>A on transcript NM_032737.4 (MANE Select); coding-DNA position 1402, G replaced by A.
Protein change: p.Ala468Thr; replaces alanine 468 with threonine.
Molecular consequence: missense variant.
Genome position (GRCh38, 1-based): chr19:2,433,906, C>T on the plus strand (G>A on the coding strand, the complement: LMNB2 is on the minus strand). VCF-style: chr19-2433906-C-T. GRCh37 (hg19) VCF-style: chr19-2433904-C-T.
Other names: short protein forms A468T.
Identifiers: ClinVar variation 657800 (VCV000657800.8), dbSNP rs751465568, ClinGen allele CA9067506.
Genomic context (GRCh38, chr19:2,433,906, plus strand): 5'-GCTGCACAAACTTGCCCTCCAGGTCGATCTCCTCGATGCTGACGCTACCCGAGGCCGAGG[C>T]CTGCTGGGCCAGGTGGAAGCCACCGCTGCCACCCGTGCCCGTGCCCAGGACGCTTGGGCC-3'
Protein context (NP_116126.3, residues 458-478): GSGGFHLAQQ[Ala468Thr]SASGSVSIEE